The following is an entry in ClinVar:

NM_001145809.2(MYH14):c.33G>C (p.Arg11=)

Gene: MYH14 (myosin heavy chain 14; plus strand). Cytogenetic location: 19q13.33.
Variant type: single nucleotide variant.
Coding change: c.33G>C on transcript NM_001145809.2 (MANE Select); coding-DNA position 33, G replaced by C.
Protein change: p.Arg11=; no amino-acid change (arginine 11 retained).
Molecular consequence: synonymous variant.
Genome position (GRCh38, 1-based): chr19:50,210,398, G>C. VCF-style: chr19-50210398-G-C. GRCh37 (hg19) VCF-style: chr19-50713655-G-C.
Other names: p.Arg11=; c.33G>C, p.Arg11= (NM_001077186.2, NM_024729.4).
Identifiers: ClinVar variation 44065 (VCV000044065.31), dbSNP rs8106196, ClinGen allele CA133491.
Genomic context (GRCh38, chr19:50,210,398, plus strand): 5'-CCACCCTCTTTCTTTGCCCCTGCAGACCATGGCAGCCGTGACCATGTCGGTGCCCGGGCG[G>C]AAGGCGCCCCCCAGGCCGGGCCCAGTGCCCGAGGCGGCCCAGCCGTTCCTGTTCACGCCC-3'
Protein context (NP_001139281.1, residues 1-21): MAAVTMSVPG[Arg11=]KAPPRPGPVP

ClinVar aggregate classification (germline): Benign. Review status: criteria provided, multiple submitters, no conflicts (2 of 4 stars). 12 submissions from 12 submitters: Benign (10). 2 of the submissions do not count toward it. Last evaluated 2026-01-24.

Conditions:
Autosomal dominant nonsyndromic hearing loss 4A. Also called: Deafness, autosomal dominant 4A. Identifiers: Orphanet 90635, MedGen C1833503, MONDO:0010915, OMIM 600652.

Allele frequency attached by ClinVar (database versions not stated): ESP Exome Variant Server 0.02990; 1000 Genomes Project 0.03095; TOPMed 0.03141; 1000 Genomes Project 30x 0.03186.

Submissions (12):

Labcorp Genetics (formerly Invitae), Labcorp
Classification: Benign. Last evaluated: 2026-01-24. Review status: criteria provided, single submitter. Criteria: Invitae Variant Classification Sherloc (09022015). Collection method: clinical testing. Allele origin: germline.

ARUP Laboratories, Molecular Genetics and Genomics, ARUP Laboratories
Classification: Benign. Last evaluated: 2023-10-11. Review status: criteria provided, single submitter. Criteria: ARUP Molecular Germline Variant Investigation Process 2024. Collection method: clinical testing. Allele origin: germline.

Mayo Clinic Laboratories, Mayo Clinic
Classification: Benign. Last evaluated: 2021-07-13. Review status: criteria provided, single submitter. Criteria: ACMG Guidelines, 2015. Collection method: clinical testing. Allele origin: germline. Observed: 82 variant alleles.

Athena Diagnostics
Classification: Benign. Last evaluated: 2019-02-18. Review status: criteria provided, single submitter. Criteria: Athena Diagnostics Criteria. Collection method: clinical testing. Allele origin: germline.

Illumina Laboratory Services, Illumina
Classification: Benign for Autosomal dominant nonsyndromic hearing loss 4A. Last evaluated: 2018-01-13. Review status: criteria provided, single submitter. Criteria: ICSL Variant Classification Criteria 13 December 2019. Collection method: clinical testing. Allele origin: germline.
Comment: This variant was observed in the ICSL laboratory as part of a predisposition screen in an ostensibly healthy population. It had not been previously curated by ICSL or reported in the Human Gene Mutation Database (HGMD: prior to June 1st, 2018), and was therefore a candidate for classification through an automated scoring system. Utilizing variant allele frequency, disease prevalence and penetrance estimates, and inheritance mode, an automated score was calculated to assess if this variant is too frequent to cause the disease. Based on the score and internal cut-off values, a variant classified as benign is not then subjected to further curation. The score for this variant resulted in a classification of benign for this disease.

GeneDx
Classification: Benign. Last evaluated: 2017-08-03. Review status: criteria provided, single submitter. Criteria: GeneDx Variant Classification (06012015). Collection method: clinical testing. Allele origin: germline. Affected: yes.
Comment: This variant is considered likely benign or benign based on one or more of the following criteria: it is a conservative change, it occurs at a poorly conserved position in the protein, it is predicted to be benign by multiple in silico algorithms, and/or has population frequency not consistent with disease.

Eurofins Ntd Llc (ga)
Classification: Benign. Last evaluated: 2014-08-05. Review status: criteria provided, single submitter. Criteria: EGL Classification Definitions 2015. Collection method: clinical testing. Allele origin: germline. Observed: 1 variant allele, 1 heterozygote.

Laboratory for Molecular Medicine, Mass General Brigham Personalized Medicine
Classification: Benign. Last evaluated: 2012-04-30. Review status: criteria provided, single submitter. Criteria: LMM Criteria. Collection method: clinical testing. Allele origin: germline. Observed: 110 variant alleles.
Comment: Arg11Arg in Exon 02 of MYH14: This variant is not expected to have clinical sign ificance because it does not alter an amino acid residue, is not located within the splice consensus sequence, and has been identified in 3.9% (94/2438) of Afri can American chromosomes from a broad population by the NHLBI Exome Sequencing P roject (dbSNP rs8106196).

Breakthrough Genomics
Classification: Benign. Review status: criteria provided, single submitter. Criteria: ACMG Guidelines, 2015. Collection method: not provided. Allele origin: germline. Inheritance: Autosomal dominant inheritance. Affected: yes.

PreventionGenetics, part of Exact Sciences
Classification: Benign. Review status: criteria provided, single submitter. Criteria: ACMG Guidelines, 2015. Collection method: clinical testing. Allele origin: germline.

Clinical Genetics DNA and cytogenetics Diagnostics Lab, Erasmus MC, Erasmus Medical Center
Classification: Benign. Review status: no assertion criteria provided. Collection method: clinical testing. Allele origin: germline. Affected: yes. Study: VKGL Data-share Consensus. Not counted in ClinVar's aggregate classification.

Clinical Genetics, Academic Medical Center
Classification: Benign. Review status: no assertion criteria provided. Collection method: clinical testing. Allele origin: germline. Affected: yes. Study: VKGL Data-share Consensus. Not counted in ClinVar's aggregate classification.